The following is an entry in ClinVar:

ClinVar aggregate classification (germline): Likely pathogenic. Review status: criteria provided, multiple submitters, no conflicts (2 of 4 stars). 5 submissions from 4 submitters: Likely pathogenic (4). 1 of the submissions does not count toward it. Last evaluated 2023-07-27.

Conditions:
Retinitis pigmentosa 39 (RP39). Identifiers: Orphanet 791, MedGen C3151138, MONDO:0013436, OMIM 613809.
Usher syndrome type 2A. Also called: RETINAL DISEASE IN USHER SYNDROME TYPE IIA, MODIFIER OF; USHER SYNDROME, TYPE IIA. Identifiers: Orphanet 231178, Orphanet 886, MedGen C1848634, MONDO:0010169, OMIM 276901.

Allele frequency attached by ClinVar (database versions not stated): gnomAD exomes below 0.00001 and 0.00001; ExAC 0.00001.

Submissions (5):

Baylor Genetics
Classification: Likely pathogenic for Retinitis pigmentosa 39. Last evaluated: 2023-07-27. Review status: criteria provided, single submitter. Criteria: ACMG Guidelines, 2015. Collection method: clinical testing. Allele origin: unknown.

Genome-Nilou Lab
Classification: Likely pathogenic for Retinitis pigmentosa 39. Last evaluated: 2023-04-11. Review status: criteria provided, single submitter. Criteria: ACMG Guidelines, 2015. Collection method: clinical testing. Allele origin: germline. Affected: no.

Genome-Nilou Lab
Classification: Likely pathogenic for Usher syndrome type 2A. Last evaluated: 2023-04-11. Review status: criteria provided, single submitter. Criteria: ACMG Guidelines, 2015. Collection method: clinical testing. Allele origin: germline. Affected: no.

Labcorp Genetics (formerly Invitae), Labcorp
Classification: Likely pathogenic. Last evaluated: 2022-03-10. Review status: criteria provided, single submitter. Criteria: Invitae Variant Classification Sherloc (09022015). Collection method: clinical testing. Allele origin: germline.
Comment: In summary, the currently available evidence indicates that the variant is pathogenic, but additional data are needed to prove that conclusively. Therefore, this variant has been classified as Likely Pathogenic. This sequence change affects a splice site in intron 40 of the USH2A gene. It is expected to disrupt RNA splicing. Variants that disrupt the donor or acceptor splice site typically lead to a loss of protein function (PMID: 16199547), and loss-of-function variants in USH2A are known to be pathogenic (PMID: 10729113, 10909849, 20507924, 25649381). This variant is present in population databases (rs762608746, gnomAD 0.01%). This variant has not been reported in the literature in individuals affected with USH2A-related conditions. ClinVar contains an entry for this variant (Variation ID: 555962). Algorithms developed to predict the effect of sequence changes on RNA splicing suggest that this variant may disrupt the consensus splice site.

Counsyl
Classification: Likely pathogenic for Usher syndrome type 2A; Retinitis pigmentosa 39. Last evaluated: 2018-01-04. Review status: no assertion criteria provided. Collection method: clinical testing. Allele origin: unknown. Not counted in ClinVar's aggregate classification.

Literature cited by the submitters: PubMed 16199547 (cited by Labcorp Genetics (formerly Invitae), Labcorp); PubMed 10729113 (cited by Labcorp Genetics (formerly Invitae), Labcorp); PubMed 10909849 (cited by Labcorp Genetics (formerly Invitae), Labcorp); PubMed 20507924 (cited by Labcorp Genetics (formerly Invitae), Labcorp); PubMed 25649381 (cited by Labcorp Genetics (formerly Invitae), Labcorp).

NM_206933.4(USH2A):c.7594+2del

Gene: USH2A (usherin; minus strand). Cytogenetic location: 1q41.
Variant type: Deletion.
Coding change: c.7594+2del on transcript NM_206933.4 (MANE Select); the canonical splice donor site of the intron after coding-DNA position 7594, one base deleted (T; older notation c.7594+2delT).
Molecular consequence: splice donor variant.
Genome position (GRCh38, 1-based): chr1:215,900,073, A deleted on the plus strand (T on the coding strand, the reverse complement: USH2A is on the minus strand). VCF-style (leftmost placement, unchanged base first): chr1-215900072-TA-T. GRCh37 (hg19) VCF-style: chr1-216073414-TA-T.
Identifiers: ClinVar variation 555962 (VCV000555962.12), dbSNP rs762608746, ClinGen allele CA1394796.
Genomic context (GRCh38, chr1:215,900,072, plus strand): 5'-TTGAAGACATTTTAAGCTCCCTATGTAGAAGACATTTGGCTGTGTATTGTTCAGACCACT[TA>T]CTGTCCTCTGCGGTCATGAATGGAATCCAAGAACTATGTGCACTGCCAAATCCATTGGAG-3'